The following is an entry in ClinVar:

NM_001257180.2(SLC20A2):c.660del (p.Phe220fs)

Gene: SLC20A2 (solute carrier family 20 member 2; minus strand). Cytogenetic location: 8p11.21.
Variant type: Deletion.
Coding change: c.660del on transcript NM_001257180.2 (MANE Select); coding-DNA position 660, one base deleted (T; older notation c.660delT).
Protein change: p.Phe220fs; shifts the reading frame from phenylalanine 220.
Molecular consequence: frameshift variant.
Genome position (GRCh38, 1-based): chr8:42,444,716, A deleted on the plus strand (T on the coding strand, the reverse complement: SLC20A2 is on the minus strand); the first of 3 consecutive A bases (chr8:42,444,716-42,444,718); deleting any one gives the same sequence. VCF-style (leftmost placement, unchanged base first): chr8-42444715-CA-C. GRCh37 (hg19) VCF-style: chr8-42302233-CA-C.
Other names: c.660del, p.Phe220fs (NM_001257181.2, NM_006749.5); short protein forms F220fs.
Identifiers: ClinVar variation 5016699 (VCV005016699.1).

ClinVar aggregate classification (germline): Pathogenic (1 of 4 stars; one submission).

Submission:

GeneDx
Classification: Pathogenic. Last evaluated: 2026-03-25. Review status: criteria provided, single submitter. Criteria: GeneDx Variant Classification Process June 2021. Collection method: clinical testing. Allele origin: germline.
Comment: Frameshift variant predicted to result in protein truncation or nonsense mediated decay in a gene for which loss of function is a known mechanism of disease; Not observed at significant frequency in large population cohorts (gnomAD); This variant is associated with the following publications: (PMID: 31003906)